The following is an entry in ClinVar:

ClinVar aggregate classification (germline): Uncertain significance (1 of 4 stars; one submission).

Conditions:
Combined immunodeficiency with skin granulomas. Identifiers: Orphanet 157949, MedGen C2673536, MONDO:0009306, OMIM 233650.
Severe combined immunodeficiency, autosomal recessive, T cell-negative, B cell-negative, NK cell-positive. Also called: SCID, T CELL-NEGATIVE, B CELL-NEGATIVE, NK CELL-POSITIVE; SCID, AR, T-cell negative, B-cell negative, NK cell-positive; Severe combined immunodeficiency due to complete RAG1/2 deficiency. Identifiers: Orphanet 331206, MedGen C1832322, MONDO:0011086, OMIM 601457.

Submission:

Labcorp Genetics (formerly Invitae), Labcorp
Classification: Uncertain significance for Combined immunodeficiency with skin granulomas; Severe combined immunodeficiency, autosomal recessive, T cell-negative, B cell-negative, NK cell-positive. Last evaluated: 2022-03-04. Review status: criteria provided, single submitter. Criteria: Invitae Variant Classification Sherloc (09022015). Collection method: clinical testing. Allele origin: germline.
Comment: This sequence change replaces histidine, which is basic and polar, with glutamine, which is neutral and polar, at codon 668 of the RAG1 protein (p.His668Gln). This variant is not present in population databases (gnomAD no frequency). This variant has not been reported in the literature in individuals affected with RAG1-related conditions. Advanced modeling of protein sequence and biophysical properties (such as structural, functional, and spatial information, amino acid conservation, physicochemical variation, residue mobility, and thermodynamic stability) performed at Invitae indicates that this missense variant is expected to disrupt RAG1 protein function. In summary, the available evidence is currently insufficient to determine the role of this variant in disease. Therefore, it has been classified as a Variant of Uncertain Significance.

NM_000448.3(RAG1):c.2004C>G (p.His668Gln)

Gene: RAG1 (recombination activating 1; plus strand). Cytogenetic location: 11p12.
Variant type: single nucleotide variant.
Coding change: c.2004C>G on transcript NM_000448.3 (MANE Select); coding-DNA position 2004, C replaced by G.
Protein change: p.His668Gln; replaces histidine 668 with glutamine.
Molecular consequence: missense variant.
Genome position (GRCh38, 1-based): chr11:36,575,308, C>G. VCF-style: chr11-36575308-C-G. GRCh37 (hg19) VCF-style: chr11-36596858-C-G.
Other names: c.2004C>G, p.His668Gln (NM_001377277.1, NM_001377278.1, NM_001377279.1 and 1 more transcripts); short protein forms H668Q.
Identifiers: ClinVar variation 2106425 (VCV002106425.1), dbSNP rs1367781663, ClinGen allele CA380153787.